The following is an entry in ClinVar:

ClinVar aggregate classification (germline): Uncertain significance (1 of 4 stars; one submission).

Submission:

GeneDx
Classification: Uncertain significance. Last evaluated: 2023-07-24. Review status: criteria provided, single submitter. Criteria: GeneDx Variant Classification Process June 2021. Collection method: clinical testing. Allele origin: germline. Affected: yes.
Comment: Not observed at significant frequency in large population cohorts (gnomAD); In silico analysis supports that this missense variant has a deleterious effect on protein structure/function; Has not been previously published as pathogenic or benign to our knowledge

NM_197968.4(ZMYM2):c.2549T>C (p.Val850Ala)

Gene: ZMYM2 (zinc finger MYM-type containing 2; plus strand). Cytogenetic location: 13q12.11.
Variant type: single nucleotide variant.
Coding change: c.2549T>C on transcript NM_197968.4 (MANE Select); coding-DNA position 2549, T replaced by C.
Protein change: p.Val850Ala; replaces valine 850 with alanine.
Molecular consequence: missense variant. On other transcripts: non-coding transcript variant (1).
Genome position (GRCh38, 1-based): chr13:20,058,630, T>C. VCF-style: chr13-20058630-T-C. GRCh37 (hg19) VCF-style: chr13-20632770-T-C.
Other names: c.2549T>C, p.Val850Ala (NM_001190964.4, NM_001190965.4, NM_001353157.2 and 5 more transcripts); c.2354T>C, p.Val785Ala (NM_001353161.3); c.2288T>C, p.Val763Ala (NM_001353163.2); short protein forms V763A, V785A, V850A.
Identifiers: ClinVar variation 3361611 (VCV003361611.1).